The following is an entry in ClinVar:

NM_007294.4(BRCA1):c.4981G>C (p.Glu1661Gln)

Gene: BRCA1 (BRCA1 DNA repair associated; minus strand). Cytogenetic location: 17q21.31.
Variant type: single nucleotide variant.
Coding change: c.4981G>C on transcript NM_007294.4 (MANE Select); coding-DNA position 4981, G replaced by C.
Protein change: p.Glu1661Gln; replaces glutamic acid 1661 with glutamine.
Molecular consequence: missense variant. On other transcripts: non-coding transcript variant (1).
Genome position (GRCh38, 1-based): chr17:43,070,933, C>G on the plus strand (G>C on the coding strand, the complement: BRCA1 is on the minus strand). VCF-style: chr17-43070933-C-G. GRCh37 (hg19) VCF-style: chr17-41222950-C-G.
Other names: c.4768G>C, p.Glu1590Gln (NM_001407571.1, NM_001407898.1, NM_001407899.1 and 12 more transcripts); c.5047G>C, p.Glu1683Gln (NM_001407581.1, NM_001407582.1); c.5044G>C, p.Glu1682Gln (NM_001407583.1, NM_001407585.1, NM_001407587.1 and 1 more transcripts); c.5041G>C, p.Glu1681Gln (NM_001407590.1, NM_001407591.1); c.4981G>C, p.Glu1661Gln (NM_001407593.1, NM_001407594.1, NM_001407596.1 and 8 more transcripts); c.4978G>C, p.Glu1660Gln (NM_001407610.1, NM_001407611.1, NM_001407612.1 and 17 more transcripts); c.4975G>C, p.Glu1659Gln (NM_001407627.1, NM_001407628.1, NM_001407629.1 and 14 more transcripts); c.4966G>C, p.Glu1656Gln (NM_001407647.1); and 70 more; short protein forms E557Q, E1614Q, E1661Q, E1682Q, E1365Q, E1532Q, E1534Q, E1548Q.
Identifiers: ClinVar variation 868888 (VCV000868888.3), dbSNP rs80357401, ClinGen allele CA10591563.
Genomic context (GRCh38, chr17:43,070,933, plus strand): 5'-TTCCAGAATGTTGTTAAGTCTTAGTCATTAGGGAGATACATATGGATACACTCACAAATT[C>G]TTCTGGGGTCAGGCCAGACACCACCATGGACATTCTTTTGTTGACCCTTTCTGTTGAAGC-3'
Protein context (NP_009225.1, residues 1651-1671): SMVVSGLTPE[Glu1661Gln]FMLVYKFARK

Conditions:
Breast-ovarian cancer, familial, susceptibility to, 1 (BROVCA1). Also called: BRCA1 Hereditary Breast and Ovarian Cancer; OVARIAN CANCER, SUSCEPTIBILITY TO. Identifiers: Orphanet 145, MedGen C2676676, MONDO:0011450, OMIM 604370. Disease mechanism: loss of function.

Submission:

Brotman Baty Institute, University of Washington
No classification provided (evidence only). Condition: Breast-ovarian cancer, familial 1. Review status: no classification provided. Collection method: in vitro. Allele origin: not applicable. Functional consequence: functionally_normal.
ClinVar note: "not provided" was previously submitted as the classification for the variant. However, the classification appeared to be based only on an observation of functional data so it was converted to no classification on 2025-07-30.